The following is an entry in ClinVar:

ClinVar aggregate classification (germline): Pathogenic. Review status: criteria provided, multiple submitters, no conflicts (2 of 4 stars). 2 submissions from 2 submitters: Pathogenic (2). Last evaluated 2026-04-07.

Conditions:
Hereditary breast ovarian cancer syndrome. Also called: Hereditary breast and ovarian cancer; Breast and ovarian cancer; Hereditary breast and ovarian cancer syndrome; BRCA1- and BRCA2-Associated Hereditary Breast and Ovarian Cancer; Hereditary breast and ovarian cancer syndrome (HBOC); Hereditary breast and/or ovarian cancer syndrome. Identifiers: Orphanet 145, MedGen C0677776, MeSH D061325, MONDO:0003582. Disease mechanism: loss of function.
Breast-ovarian cancer, familial, susceptibility to, 2 (BROVCA2). Also called: BRCA2 Hereditary Breast and Ovarian Cancer. Identifiers: Orphanet 145, MedGen C2675520, MONDO:0012933, OMIM 612555. Disease mechanism: loss of function.

Submissions (2):

Institute of Human Genetics, University of Leipzig Medical Center
Classification: Pathogenic for Breast-ovarian cancer, familial, susceptibility to, 2. Last evaluated: 2026-04-07. Review status: criteria provided, single submitter. Criteria: ACMG Guidelines, 2015. Collection method: clinical testing. Allele origin: unknown. Inheritance: Autosomal dominant inheritance. Affected: yes.
Comment: Criteria applied: PVS1,PM5_STR,PM2_SUP

Labcorp Genetics (formerly Invitae), Labcorp
Classification: Pathogenic for Hereditary breast ovarian cancer syndrome. Last evaluated: 2018-10-25. Review status: criteria provided, single submitter. Criteria: Invitae Variant Classification Sherloc (09022015). Collection method: clinical testing. Allele origin: germline.
Comment: For these reasons, this variant has been classified as Pathogenic. Loss-of-function variants in BRCA2 are known to be pathogenic (PMID: 20104584). This variant has not been reported in the literature in individuals with BRCA2-related disease. This variant is not present in population databases (ExAC no frequency). This sequence change creates a premature translational stop signal (p.Ser504Leufs*5) in the BRCA2 gene. It is expected to result in an absent or disrupted protein product.

Literature cited by the submitters: PubMed 20104584 (cited by Labcorp Genetics (formerly Invitae), Labcorp).

NM_000059.4(BRCA2):c.1511del (p.Ser504fs)

Gene: BRCA2 (BRCA2 DNA repair associated; plus strand). Cytogenetic location: 13q13.1.
Variant type: Deletion.
Coding change: c.1511del on transcript NM_000059.4 (MANE Select); coding-DNA position 1511, one base deleted (C; older notation c.1511delC).
Protein change: p.Ser504fs; shifts the reading frame from serine 504.
Molecular consequence: frameshift variant.
Genome position (GRCh38, 1-based): chr13:32,332,989, C deleted. VCF-style (leftmost placement, unchanged base first): chr13-32332988-TC-T. GRCh37 (hg19) VCF-style: chr13-32907125-TC-T.
Other names: c.1511delC (NM_000059.3); short protein forms S504fs.
Identifiers: ClinVar variation 576344 (VCV000576344.9), dbSNP rs1566223748, ClinGen allele CA891843620.